The following is an entry in ClinVar:

ClinVar aggregate classification (germline): Uncertain significance (1 of 4 stars; one submission).

Submission:

GeneDx
Classification: Uncertain significance. Last evaluated: 2024-12-18. Review status: criteria provided, single submitter. Criteria: GeneDx Variant Classification Process June 2021. Collection method: clinical testing. Allele origin: germline. Affected: yes.
Comment: Not observed at significant frequency in large population cohorts (gnomAD); In silico analysis supports that this missense variant has a deleterious effect on protein structure/function; Has not been previously published as pathogenic or benign to our knowledge

NM_000393.5(COL5A2):c.1766C>G (p.Pro589Arg)

Gene: COL5A2 (collagen type V alpha 2 chain; minus strand). Cytogenetic location: 2q32.2.
Variant type: single nucleotide variant.
Coding change: c.1766C>G on transcript NM_000393.5 (MANE Select); coding-DNA position 1766, C replaced by G.
Protein change: p.Pro589Arg; replaces proline 589 with arginine.
Molecular consequence: missense variant.
Genome position (GRCh38, 1-based): chr2:189,063,984, G>C on the plus strand (C>G on the coding strand, the complement: COL5A2 is on the minus strand). VCF-style: chr2-189063984-G-C. GRCh37 (hg19) VCF-style: chr2-189928710-G-C.
Other names: short protein forms P589R.
Identifiers: ClinVar variation 3906284 (VCV003906284.1).